The following is an entry in ClinVar:

ClinVar aggregate classification (germline): Uncertain significance (1 of 4 stars; one submission).

Conditions:
CFI-related disorder. Also called: CFI-related condition; CFI-related disorders. Identifiers: MedGen CN239325.

Submission:

Genomenon, Inc
Classification: Uncertain significance for CFI-related disorder. Last evaluated: 2025-09-26. Review status: criteria provided, single submitter. Criteria: Genomenon Sequence Variant Interpretation Standards - Updated. Collection method: curation. Allele origin: germline. Affected: no.
Comment: CFI p.Lys45Gln (c.133A>C) is a missense variant that changes the amino acid at residue 45 from Lysine to Glutamine. To our knowledge, this variant has not been reported in patients affected with CFI-related disorders in the published literature. Functional studies have been reported; however, the significance of the findings remain unclear (20044478;21768352). It is absent or not present at a significant frequency in gnomAD. In silico models agree that this variant is possibly or probably damaging. In conclusion, we classify CFI p.Lys45Gln (c.133A>C) as a variant of unknown significance.

NM_000204.5(CFI):c.133A>C (p.Lys45Gln)

Gene: CFI (complement factor I; minus strand). Cytogenetic location: 4q25.
Variant type: single nucleotide variant.
Coding change: c.133A>C on transcript NM_000204.5 (MANE Select); coding-DNA position 133, A replaced by C.
Protein change: p.Lys45Gln; replaces lysine 45 with glutamine.
Molecular consequence: missense variant. On other transcripts: non-coding transcript variant (3), intron variant (1).
Genome position (GRCh38, 1-based): chr4:109,766,749, T>G on the plus strand (A>C on the coding strand, the complement: CFI is on the minus strand). VCF-style: chr4-109766749-T-G. GRCh37 (hg19) VCF-style: chr4-110687905-T-G.
Other names: c.133A>C, p.Lys45Gln (NM_001318057.2, NM_001331035.2, NM_001375278.1 and 10 more transcripts); c.-127-5057A>C (NM_001375284.1); short protein forms K45Q.
Identifiers: ClinVar variation 4280510 (VCV004280510.1).